The following is an entry in ClinVar:

NM_025114.4(CEP290):c.4990_4991del (p.Glu1664fs)

Gene: CEP290 (centrosomal protein 290; minus strand). Cytogenetic location: 12q21.32.
Variant type: Deletion.
Coding change: c.4990_4991del on transcript NM_025114.4 (MANE Select); coding-DNA positions 4990 to 4991, 2 bases deleted (GA; older notation c.4990_4991delGA).
Protein change: p.Glu1664fs; shifts the reading frame from glutamic acid 1664.
Molecular consequence: frameshift variant.
Genome position (GRCh38, 1-based): chr12:88,083,052-88,083,053, TC deleted on the plus strand (GA on the coding strand, the reverse complement: CEP290 is on the minus strand); deleting any 2 consecutive bases within chr12:88,083,052-88,083,054 gives the same sequence; the c. name uses the placement nearest the transcript's 3' end. VCF-style (leftmost placement, unchanged base first): chr12-88083051-TTC-T. GRCh37 (hg19) VCF-style: chr12-88476828-TTC-T.
Other names: short protein forms E1664fs.
Identifiers: ClinVar variation 4990844 (VCV004990844.1).
Genomic context (GRCh38, chr12:88,083,051, plus strand): 5'-TATCATTTGCCTATTTTTACAATACATTTCGAAGACTTACTGTAATTTGATATTTTCAAA[TTC>T]TTTTACTTTTAATTCAGTGATTTCTCTTTGTCTCTCCAAATCTTGTGATACTTTCTTTAG-3'

ClinVar aggregate classification (germline): Likely pathogenic (1 of 4 stars; one submission).

Conditions:
CEP290-related disorder. Also called: CEP290-related condition; CEP290-related disorders. Identifiers: MedGen CN239314.

Submission:

PreventionGenetics, part of Exact Sciences
Classification: Likely pathogenic for CEP290-related condition. Last evaluated: 2026-03-26. Review status: criteria provided, single submitter. Criteria: ACMG Guidelines, 2015. Collection method: clinical testing. Allele origin: germline.
Comment: The CEP290 c.4990_4991delGA variant is predicted to result in a frameshift and premature protein termination (p.Glu1664Ilefs*2). To our knowledge, this variant has not been reported in the literature or in a large population database (gnomAD), indicating this variant is rare. Frameshift variants in CEP290 are expected to be pathogenic. This variant is interpreted as likely pathogenic.